The following is an entry in ClinVar:

ClinVar aggregate classification (germline): Uncertain significance (1 of 4 stars; one submission).

Submission:

GeneDx
Classification: Uncertain significance. Last evaluated: 2026-02-24. Review status: criteria provided, single submitter. Criteria: GeneDx Variant Classification Process June 2021. Collection method: clinical testing. Allele origin: germline.
Comment: Not observed at significant frequency in large population cohorts (gnomAD); In silico analysis supports that this missense variant has a deleterious effect on protein structure/function; Has not been previously published as pathogenic or benign to our knowledge

NM_003482.4(KMT2D):c.15452T>C (p.Val5151Ala)

Gene: KMT2D (lysine methyltransferase 2D; minus strand). Cytogenetic location: 12q13.12.
Variant type: single nucleotide variant.
Coding change: c.15452T>C on transcript NM_003482.4 (MANE Select); coding-DNA position 15452, T replaced by C.
Protein change: p.Val5151Ala; replaces valine 5151 with alanine.
Molecular consequence: missense variant.
Genome position (GRCh38, 1-based): chr12:49,026,514, A>G on the plus strand (T>C on the coding strand, the complement: KMT2D is on the minus strand). VCF-style: chr12-49026514-A-G. GRCh37 (hg19) VCF-style: chr12-49420297-A-G.
Other names: short protein forms V5151A.
Identifiers: ClinVar variation 5008362 (VCV005008362.1).